The following is an entry in ClinVar:

NM_182746.3(MCM4):c.128C>T (p.Thr43Ile)

Gene: MCM4 (minichromosome maintenance complex component 4; plus strand). Cytogenetic location: 8q11.21.
Variant type: single nucleotide variant.
Coding change: c.128C>T on transcript NM_182746.3 (MANE Select); coding-DNA position 128, C replaced by T.
Protein change: p.Thr43Ile; replaces threonine 43 with isoleucine.
Molecular consequence: missense variant.
Genome position (GRCh38, 1-based): chr8:47,961,573, C>T. VCF-style: chr8-47961573-C-T. GRCh37 (hg19) VCF-style: chr8-48874133-C-T.
Other names: c.128C>T, p.Thr43Ile (NM_005914.4); c.128C>T (NM_005914.3); short protein forms T43I.
Identifiers: ClinVar variation 1523153 (VCV001523153.9), dbSNP rs748390153, ClinGen allele CA4742192.
Genomic context (GRCh38, chr8:47,961,573, plus strand): 5'-AAGCTCGGAGTGAGGATGCCAGGTCATCTCCCTCTCAGAGACGTAGAGGCGAGGATTCCA[C>T]CTCCACGGGGGAGTTGCAGCCGATGCCAACCTCGCCTGGAGTGGACCTGCAGAGCCCTGC-3'
Protein context (NP_877423.1, residues 33-53): PSQRRRGEDS[Thr43Ile]STGELQPMPT

ClinVar aggregate classification (germline): Uncertain significance. Review status: criteria provided, multiple submitters, no conflicts (2 of 4 stars). 2 submissions from 2 submitters: Uncertain significance (2). Last evaluated 2023-09-26.

Allele frequency attached by ClinVar (database versions not stated): gnomAD exomes 0.00001 and 0.00002; TOPMed 0.00001; ExAC 0.00002.
gnomAD v4.1: 9 of 1,614,194 alleles (0.00056%); highest among the groups gnomAD compares: East Asian, 0.018%; no homozygotes.

Submissions (2):

Ambry Genetics
Classification: Uncertain significance. Last evaluated: 2023-09-26. Review status: criteria provided, single submitter. Criteria: Ambry Variant Classification Scheme 2023. Collection method: clinical testing. Allele origin: germline.

Labcorp Genetics (formerly Invitae), Labcorp
Classification: Uncertain significance. Last evaluated: 2023-07-08. Review status: criteria provided, single submitter. Criteria: Invitae Variant Classification Sherloc (09022015). Collection method: clinical testing. Allele origin: germline.
Comment: This sequence change replaces threonine, which is neutral and polar, with isoleucine, which is neutral and non-polar, at codon 43 of the MCM4 protein (p.Thr43Ile). This variant is present in population databases (rs748390153, gnomAD 0.03%). This variant has not been reported in the literature in individuals affected with MCM4-related conditions. ClinVar contains an entry for this variant (Variation ID: 1523153). An algorithm developed to predict the effect of missense changes on protein structure and function (PolyPhen-2) suggests that this variant is likely to be tolerated. In summary, the available evidence is currently insufficient to determine the role of this variant in disease. Therefore, it has been classified as a Variant of Uncertain Significance.